The following is an entry in ClinVar:

NM_000264.5(PTCH1):c.2204_2205del (p.Phe735fs)

Genes: PTCH1 (patched 1; minus strand), LOC100507346 (uncharacterized LOC100507346; plus strand). Cytogenetic location: 9q22.32.
Variant type: Deletion.
Coding change: c.2204_2205del on transcript NM_000264.5 (MANE Select); coding-DNA positions 2204 to 2205, 2 bases deleted (TT; older notation c.2204_2205delTT).
Protein change: p.Phe735fs; shifts the reading frame from phenylalanine 735.
Molecular consequence: frameshift variant. On other transcripts: non-coding transcript variant (2).
Genome position (GRCh38, 1-based): chr9:95,468,796-95,468,797, AA deleted on the plus strand (TT on the coding strand, the reverse complement: PTCH1 is on the minus strand); deleting any 2 consecutive bases within chr9:95,468,796-95,468,799 gives the same sequence; the c. name uses the placement nearest the transcript's 3' end. VCF-style (leftmost placement, unchanged base first): chr9-95468795-CAA-C. GRCh37 (hg19) VCF-style: chr9-98231077-CAA-C.
Other names: c.2006_2007del, p.Phe669fs (NM_001083602.3); c.2201_2202del, p.Phe734fs (NM_001083603.3); c.1751_1752del, p.Phe584fs (NM_001083604.3, NM_001083605.3, NM_001083606.3 and 1 more transcripts); c.2048_2049del, p.Phe683fs (NM_001354918.2); short protein forms F584fs, F669fs, F683fs, F734fs, F735fs.
Identifiers: ClinVar variation 1072438 (VCV001072438.9), dbSNP rs2118027397, ClinGen allele CA2499220052.

ClinVar aggregate classification (germline): Pathogenic (1 of 4 stars; one submission).

Conditions:
Gorlin syndrome. Also called: Nevoid Basal Cell Carcinoma Syndrome; Basal cell nevus syndrome. Identifiers: Orphanet 377, MedGen C0004779, MONDO:0007187.

Submission:

Labcorp Genetics (formerly Invitae), Labcorp
Classification: Pathogenic for Gorlin syndrome. Last evaluated: 2020-07-13. Review status: criteria provided, single submitter. Criteria: Invitae Variant Classification Sherloc (09022015). Collection method: clinical testing. Allele origin: germline.
Comment: Loss-of-function variants in PTCH1 are known to be pathogenic (PMID: 16301862, 16419085). This sequence change creates a premature translational stop signal (p.Phe735Cysfs*2) in the PTCH1 gene. It is expected to result in an absent or disrupted protein product. This variant is not present in population databases (ExAC no frequency). This variant has been observed in individual(s) with basal cell nevus syndrome (PMID: 28733979). For these reasons, this variant has been classified as Pathogenic.

Literature cited by the submitters: PubMed 16301862; PubMed 16419085; PubMed 28733979.